The following is an entry in ClinVar:

ClinVar aggregate classification (germline): Pathogenic/Likely pathogenic. Review status: criteria provided, multiple submitters, no conflicts (2 of 4 stars). 14 submissions from 13 submitters: Pathogenic (8); Likely pathogenic (4). 2 of the submissions do not count toward it. Last evaluated 2026-02-09.

Conditions:
ABCA4-related disorder. Also called: ABCA4-related condition; ABCA4-related disorders. Identifiers: MedGen CN239167.
Cone-rod dystrophy 3 (CORD3). Identifiers: Orphanet 1872, MedGen C1858806, MONDO:0011395, OMIM 604116.
Age-related macular degeneration (ARMD). Also called: MACULAR DEGENERATION, AGE-RELATED, REDUCED RISK OF. Identifiers: MedGen C0242383, MONDO:0005150.
Retinitis pigmentosa 19 (RP19). Also called: ABCA4-Related Retinitis Pigmentosa. Identifiers: Orphanet 791, MedGen C1866422, MONDO:0011137, OMIM 601718.
Retinal dystrophy. Also called: Inherited retinal dystrophy. Identifiers: Orphanet 71862, MedGen C0854723, MeSH D058499, MONDO:0019118, HP:0000556.
Age related macular degeneration 2. Also called: MACULAR DEGENERATION, SENILE; MACULOPATHY, AGE-RELATED, 2; MACULOPATHY, AGE-RELATED. Identifiers: MedGen C3495438, MONDO:0007932, OMIM 153800.
Severe early-childhood-onset retinal dystrophy (STGD1). Also called: MACULAR DYSTROPHY WITH FLECKS, TYPE 1; STGD; Stargardt disease 1; Stargardt macular dystrophy; Juvenile onset macular degeneration. Identifiers: Orphanet 364055, Orphanet 827, MedGen C1855465, MeSH D000080362, MONDO:0009549, OMIM 248200.
Retinitis pigmentosa (RP). Identifiers: Orphanet 791, MedGen C0035334, MeSH D012174, MONDO:0019200, OMIM 268000. Inheritance: Autosomal dominant, autosomal recessive and X linked inheritance.
maculopathy.

Allele frequency attached by ClinVar (database versions not stated): TOPMed 0.00005; ExAC 0.00009; gnomAD 0.00006 and 0.00005; gnomAD exomes 0.00011.
gnomAD v4.1: 74 of 1,614,062 alleles (0.0046%); highest among the groups gnomAD compares: Admixed American, 0.0017%; no homozygotes.

Submissions (14):

PreventionGenetics, part of Exact Sciences
Classification: Pathogenic for ABCA4-related condition. Last evaluated: 2026-02-09. Review status: criteria provided, single submitter. Criteria: ACMG Guidelines, 2015. Collection method: clinical testing. Allele origin: germline.
Comment: The ABCA4 c.4594G>A variant is predicted to result in the amino acid substitution p.Asp1532Asn. This variant has been reported to be causative for autosomal recessive Stargardt disease (see for examples: Lewis et al. 1999. PubMed ID: 9973280; Table S2, Zampaglione et al. 2020. PubMed ID: 32037395; Table S1, Lin et al. 2024. PubMed ID: 38219857). This variant is reported in 0.21% of alleles in individuals of Ashkenazi Jewish descent in gnomAD. This variant is interpreted as pathogenic.

Labcorp Genetics (formerly Invitae), Labcorp
Classification: Pathogenic. Last evaluated: 2026-02-01. Review status: criteria provided, single submitter. Criteria: Invitae Variant Classification Sherloc (09022015). Collection method: clinical testing. Allele origin: germline.
Comment: This sequence change replaces aspartic acid, which is acidic and polar, with asparagine, which is neutral and polar, at codon 1532 of the ABCA4 protein (p.Asp1532Asn). This variant is present in population databases (rs62642574, gnomAD 0.2%). This missense change has been observed in individual(s) with Stargardt disease (PMID: 9973280, 11726554, 19217903, 22589445, 24409374, 29925512; internal data). In at least one individual the data is consistent with being in trans (on the opposite chromosome) from a pathogenic variant. ClinVar contains an entry for this variant (Variation ID: 99304). Invitae Evidence Modeling of protein sequence and biophysical properties (such as structural, functional, and spatial information, amino acid conservation, physicochemical variation, residue mobility, and thermodynamic stability) indicates that this missense variant is expected to disrupt ABCA4 protein function with a positive predictive value of 95%. For these reasons, this variant has been classified as Pathogenic.

Revvity Omics, Revvity
Classification: Likely pathogenic. Last evaluated: 2025-04-16. Review status: criteria provided, single submitter. Criteria: ACMG Guidelines, 2015. Collection method: clinical testing. Allele origin: germline.

Victorian Clinical Genetics Services, Murdoch Childrens Research Institute
Classification: Pathogenic for Severe early-childhood-onset retinal dystrophy. Last evaluated: 2024-10-09. Review status: criteria provided, single submitter. Criteria: ACMG Guidelines, 2015. Collection method: clinical testing. Allele origin: germline. Inheritance: Autosomal recessive inheritance.
Comment: Based on the classification scheme VCGS_Germline_v1.3.4, this variant is classified as Pathogenic. 0102 - Loss of function is a known mechanism of disease in this gene and is associated with Stargardt disease 1 (MIM#248200) and other inherited retinal diseases (OMIM). (I) 0106 - This gene is associated with autosomal recessive disease. (I) 0115 - Variants in this gene are known to have variable expressivity (PMID: 31522899). (I) 0200 - Variant is predicted to result in a missense amino acid change from aspartic acid to asparagine. (I) 0251 - This variant is heterozygous. (I) 0304 - Variant is present in gnomAD (v2) <0.01 for a recessive condition (29 heterozygotes, 0 homozygotes). (SP) 0501 - Missense variant consistently predicted to be damaging by multiple in silico tools or highly conserved with a major amino acid change. (SP) 0604 - Variant is not located in an established domain, motif, hotspot or informative constraint region. (I) 0704 - Another missense variant comparable to the one identified in this case has limited previous evidence for pathogenicity. p.(Asp1532Tyr) has been reported in a compound heterozygous individual with late-onset Stargardt disease (PMID: 23953153). (SP) 0801 - This variant has strong previous evidence of pathogenicity in unrelated individuals. This variant has been classified as pathogenic six times and likely-pathogenic twice (ClinVar). This variant has been reported in multiple compound heterozygous individuals with Stargardt disease, autosomal recessive ABCA4-related retinopathy and late-onset maculopathy (PMIDs: 32013026, 9973280, 19217903, 23953153, 33505770, 29343940). (SP) 1208 - Inheritance information for this variant is not currently available in this individual. (I) Legend: (SP) - Supporting pathogenic, (I) - Information, (SB) - Supporting benign

Blueprint Genetics
Classification: Pathogenic for ABCA4-related disorders. Last evaluated: 2024-05-21. Review status: criteria provided, single submitter. Criteria: ACMG Guidelines, 2015. Collection method: clinical testing. Allele origin: germline. Affected: yes. Observed: 5 variant alleles.

GeneDx
Classification: Pathogenic. Last evaluated: 2024-01-22. Review status: criteria provided, single submitter. Criteria: GeneDx Variant Classification Process June 2021. Collection method: clinical testing. Allele origin: germline. Affected: yes.
Comment: In silico analysis supports that this missense variant has a deleterious effect on protein structure/function; This variant is associated with the following publications: (PMID: 28118664, 37705246, 37869022, 37930186, 9973280, 19217903, 22589445, 30055151, 29925512, 28559085, 29343940, 32013026, 31456290, 31589614, 32037395, 24409374, 33505770, 11726554)

Fulgent Genetics
Classification: Pathogenic for Age related macular degeneration 2; Severe early-childhood-onset retinal dystrophy; Retinitis pigmentosa 19; Cone-rod dystrophy 3. Last evaluated: 2024-01-03. Review status: criteria provided, single submitter. Criteria: ACMG Guidelines, 2015. Collection method: clinical testing. Allele origin: germline.

Institute of Human Genetics, University of Leipzig Medical Center
Classification: Likely pathogenic for Severe early-childhood-onset retinal dystrophy. Last evaluated: 2023-08-01. Review status: criteria provided, single submitter. Criteria: ACMG Guidelines, 2015. Collection method: clinical testing. Allele origin: unknown. Inheritance: Autosomal recessive inheritance. Affected: yes.
Comment: Criteria applied: PS4,PM2_SUP,PP3

Women's Health and Genetics/Laboratory Corporation of America, LabCorp
Classification: Pathogenic for Retinitis pigmentosa. Last evaluated: 2023-05-30. Review status: criteria provided, single submitter. Criteria: LabCorp Variant Classification Summary - May 2015. Collection method: clinical testing. Allele origin: germline.
Comment: Variant summary: ABCA4 c.4594G>A (p.Asp1532Asn) results in a conservative amino acid change in the encoded protein sequence. Four of five in-silico tools predict a damaging effect of the variant on protein function. The variant allele was found at a frequency of 0.00011 in 251478 control chromosomes (gnomAD). This frequency is not significantly higher than estimated for a pathogenic variant in ABCA4 causing Retinitis Pigmentosa (0.00011 vs 0.0014), allowing no conclusion about variant significance. c.4594G>A has been reported in the literature in multiple individuals affected with Stargardt disease and bull's eye maculopathy (examples: Lewis_1999, Shroyer_2001, Cella_2009, Giani_2012, Verdina_2014). These data indicate that the variant is very likely to be associated with disease. The following publications have been ascertained in the context of this evaluation (PMID: 11726554, 19217903 , 22589445, 24409374 , 9973280 ). Six clinical diagnostic laboratories have submitted clinical-significance assessments for this variant to ClinVar after 2014 and all classified the variant as pathogenic/likely pathogenic. Based on the evidence outlined above, the variant was classified as pathogenic.

Institute of Human Genetics, Univ. Regensburg, Univ. Regensburg
Classification: Likely pathogenic for Retinal dystrophy. Last evaluated: 2019-01-01. Review status: criteria provided, single submitter. Criteria: ACMG Guidelines, 2015. Collection method: clinical testing. Allele origin: germline. Affected: yes.

Institute of Human Genetics, Univ. Regensburg, Univ. Regensburg
Classification: Likely pathogenic for Severe early-childhood-onset retinal dystrophy. Last evaluated: 2016-01-01. Review status: criteria provided, single submitter. Criteria: Schulz et al. (Invest Ophthalmol Vis Sci. 2017). Collection method: clinical testing. Allele origin: germline. Affected: yes. Observed: 1 heterozygote.

Eurofins Ntd Llc (ga)
Classification: Pathogenic. Last evaluated: 2015-02-24. Review status: criteria provided, single submitter. Criteria: EGL Classification Definitions 2015. Collection method: clinical testing. Allele origin: germline. Observed: 1 variant allele, 1 heterozygote.

Sharon lab, Hadassah-Hebrew University Medical Center
Classification: Likely pathogenic for Maculopathy. Last evaluated: 2019-06-23. Review status: no assertion criteria provided. Collection method: research. Allele origin: inherited. Affected: yes. Not counted in ClinVar's aggregate classification.

Retina International
No classification provided. Review status: no classification provided. Collection method: not provided. Allele origin: not provided. Not counted in ClinVar's aggregate classification.

Literature cited by the submitters: PubMed 9973280 (cited by 4 submitters); PubMed 11726554 (cited by Labcorp Genetics (formerly Invitae), Labcorp and Women's Health and Genetics/Laboratory Corporation of America, LabCorp); PubMed 19217903 (cited by 4 submitters); PubMed 22589445 (cited by 3 submitters); PubMed 24409374 (cited by Labcorp Genetics (formerly Invitae), Labcorp and Women's Health and Genetics/Laboratory Corporation of America, LabCorp); PubMed 29925512 (cited by Labcorp Genetics (formerly Invitae), Labcorp and Institute of Human Genetics, Univ. Regensburg, Univ. Regensburg); PubMed 23953153 (cited by Victorian Clinical Genetics Services, Murdoch Childrens Research Institute); PubMed 29343940 (cited by Victorian Clinical Genetics Services, Murdoch Childrens Research Institute); PubMed 31522899 (cited by Victorian Clinical Genetics Services, Murdoch Childrens Research Institute); PubMed 32013026 (cited by Victorian Clinical Genetics Services, Murdoch Childrens Research Institute and Institute of Human Genetics, Univ. Regensburg, Univ. Regensburg); PubMed 33505770 (cited by Victorian Clinical Genetics Services, Murdoch Childrens Research Institute); PubMed 28559085 (cited by Institute of Human Genetics, Univ. Regensburg, Univ. Regensburg); PubMed 31589614 (cited by Institute of Human Genetics, Univ. Regensburg, Univ. Regensburg); PubMed 31964843 (cited by Institute of Human Genetics, Univ. Regensburg, Univ. Regensburg); PubMed 31456290 (cited by Institute of Human Genetics, Univ. Regensburg, Univ. Regensburg); PubMed 32037395 (cited by Institute of Human Genetics, Univ. Regensburg, Univ. Regensburg).

NM_000350.3(ABCA4):c.4594G>A (p.Asp1532Asn)

Gene: ABCA4 (ATP binding cassette subfamily A member 4; minus strand). Cytogenetic location: 1p22.1.
Variant type: single nucleotide variant.
Coding change: c.4594G>A on transcript NM_000350.3 (MANE Select); coding-DNA position 4594, G replaced by A.
Protein change: p.Asp1532Asn; replaces aspartic acid 1532 with asparagine.
Molecular consequence: missense variant.
Genome position (GRCh38, 1-based): chr1:94,024,994, C>T on the plus strand (G>A on the coding strand, the complement: ABCA4 is on the minus strand). VCF-style: chr1-94024994-C-T. GRCh37 (hg19) VCF-style: chr1-94490550-C-T.
Other names: c.4372G>A, p.Asp1458Asn (NM_001425324.1); short protein forms D1532N, D1458N.
Identifiers: ClinVar variation 99304 (VCV000099304.32), dbSNP rs62642574, ClinGen allele CA227219.